The following is an entry in ClinVar:

ClinVar aggregate classification (germline): Benign (1 of 4 stars; one submission).

Conditions:
Neuroblastoma, susceptibility to, 3. Also called: ALK-Related Neuroblastic Tumor Susceptibility. Identifiers: Orphanet 635, MedGen C2751681, MONDO:0013083, OMIM 613014.

Allele frequency attached by ClinVar (database versions not stated): TOPMed 0.00014; ESP Exome Variant Server 0.00015; gnomAD exomes 0.00026 and 0.00055; gnomAD 0.00028 and 0.00013; ExAC 0.00060; 1000 Genomes Project 30x 0.00125; 1000 Genomes Project 0.00160.
gnomAD v4.1: 418 of 1,590,358 alleles (0.026%); highest among the groups gnomAD compares: South Asian, 0.36%; no homozygotes.

Submission:

Illumina Laboratory Services, Illumina
Classification: Benign for Neuroblastoma, susceptibility to, 3. Last evaluated: 2018-01-12. Review status: criteria provided, single submitter. Criteria: ICSL Variant Classification Criteria 13 December 2019. Collection method: clinical testing. Allele origin: germline.
Comment: This variant was observed in the ICSL laboratory as part of a predisposition screen in an ostensibly healthy population. It had not been previously curated by ICSL or reported in the Human Gene Mutation Database (HGMD: prior to June 1st, 2018), and was therefore a candidate for classification through an automated scoring system. Utilizing variant allele frequency, disease prevalence and penetrance estimates, and inheritance mode, an automated score was calculated to assess if this variant is too frequent to cause the disease. Based on the score and internal cut-off values, a variant classified as benign is not then subjected to further curation. The score for this variant resulted in a classification of benign for this disease.

NM_004304.5(ALK):c.*45G>A

Gene: ALK (ALK receptor tyrosine kinase; minus strand). Cytogenetic location: 2p23.2.
Variant type: single nucleotide variant.
Coding change: c.*45G>A on transcript NM_004304.5 (MANE Select); 45 bases downstream of the stop codon, G replaced by A.
Molecular consequence: 3 prime UTR variant.
Genome position (GRCh38, 1-based): chr2:29,193,179, C>T on the plus strand (G>A on the coding strand, the complement: ALK is on the minus strand). VCF-style: chr2-29193179-C-T. GRCh37 (hg19) VCF-style: chr2-29416045-C-T.
Other names: c.*45G>A (NM_001353765.2).
Identifiers: ClinVar variation 335685 (VCV000335685.5), dbSNP rs186421480, ClinGen allele CA1593447.
Genomic context (GRCh38, chr2:29,193,179, plus strand): 5'-AAACAAAACGTGACATTTGGTCTCTGGTTTGTGAAGGAGCCATTGCCTCTCTCTCCTCCA[C>T]GGTCTTAGGGATCCCAAGGAAGAGAAGTGAGTGTGCGACCGAGCTCAGGGCCCAGGCTGG-3'